The following is an entry in ClinVar:

ClinVar aggregate classification (germline): Likely benign. Review status: criteria provided, multiple submitters, no conflicts (2 of 4 stars). 2 submissions from 2 submitters: Likely benign (2). Last evaluated 2026-08-26.

Conditions:
WDPCP-related disorder. Also called: WDPCP-related condition.
Bardet-Biedl syndrome (BBS). Identifiers: Orphanet 110, MedGen C0752166, MONDO:0015229.

Allele frequency attached by ClinVar (database versions not stated): gnomAD exomes below 0.00001 and 0.00001; TOPMed below 0.00001; ExAC 0.00001; gnomAD 0.00001.
gnomAD v4.1: 3 of 1,613,488 alleles (0.00019%); highest among the groups gnomAD compares: Admixed American, 0.0033%; no homozygotes.

Submissions (2):

PreventionGenetics, part of Exact Sciences
Classification: Likely benign for WDPCP-related condition. Last evaluated: 2026-08-26. Review status: criteria provided, single submitter. Criteria: ACMG Guidelines, 2015. Collection method: clinical testing. Allele origin: germline.
Comment: This variant is classified as likely benign based on ACMG/AMP sequence variant interpretation guidelines (Richards et al. 2015 PMID: 25741868, with internal and published modifications).

Labcorp Genetics (formerly Invitae), Labcorp
Classification: Likely benign for Bardet-Biedl syndrome. Last evaluated: 2025-06-12. Review status: criteria provided, single submitter. Criteria: Invitae Variant Classification Sherloc (09022015). Collection method: clinical testing. Allele origin: germline.

NM_015910.7(WDPCP):c.1242A>G (p.Gln414=)

Gene: WDPCP (WD repeat containing planar cell polarity effector; minus strand). Cytogenetic location: 2p15.
Variant type: single nucleotide variant.
Coding change: c.1242A>G on transcript NM_015910.7 (MANE Select); coding-DNA position 1242, A replaced by G.
Protein change: p.Gln414=; no amino-acid change (glutamine 414 retained).
Molecular consequence: synonymous variant. On other transcripts: non-coding transcript variant (3).
Genome position (GRCh38, 1-based): chr2:63,404,241, T>C on the plus strand (A>G on the coding strand, the complement: WDPCP is on the minus strand). VCF-style: chr2-63404241-T-C. GRCh37 (hg19) VCF-style: chr2-63631376-T-C.
Other names: c.765A>G, p.Gln255= (NM_001042692.3); c.1170A>G, p.Gln390= (NM_001354044.2); c.1242A>G, p.Gln414= (NM_001354045.2).
Identifiers: ClinVar variation 934433 (VCV000934433.10), dbSNP rs774367862, ClinGen allele CA1682268.
Genomic context (GRCh38, chr2:63,404,241, plus strand): 5'-GGCATCAAATAATTTACTGAATTGCAGAGTCTCCCTGGGTAAGCGGTCTTCAGCCAACAG[T>C]TGGATGTTAATAGGGGATAGAGCCATATCAAAAATTTGCAACTCCCCTTGGTTGCTGCCA-3'
Protein context (NP_056994.3, residues 404-424): FDMALSPINI[Gln414=]LLAEDRLPRE